The following is an entry in ClinVar:

ClinVar aggregate classification (germline): Pathogenic. Review status: criteria provided, multiple submitters, no conflicts (2 of 4 stars). 7 submissions from 7 submitters: Pathogenic (4). 3 of the submissions do not count toward it. Last evaluated 2025-03-17.

Conditions:
ATF6-related disorder. Also called: ATF6-related condition.
Achromatopsia 7 (ACHM7). Identifiers: Orphanet 49382, MedGen C4225297, MONDO:0014677, OMIM 616517.
Bilateral sensorineural hearing impairment. Also called: Bilateral sensorineural hearing loss. Identifiers: MedGen C0452138, HP:0008619.

Allele frequency attached by ClinVar (database versions not stated): gnomAD 0.00006 and 0.00005; gnomAD exomes 0.00006 and 0.00002; ExAC 0.00002; TOPMed 0.00003.
gnomAD v4.1: 101 of 1,612,182 alleles (0.0063%); highest among the groups gnomAD compares: Non-Finnish European, 0.0078%; no homozygotes.

Submissions (7):

Labcorp Genetics (formerly Invitae), Labcorp
Classification: Pathogenic. Last evaluated: 2025-03-17. Review status: criteria provided, single submitter. Criteria: Invitae Variant Classification Sherloc (09022015). Collection method: clinical testing. Allele origin: germline.
Comment: This sequence change replaces arginine, which is basic and polar, with cysteine, which is neutral and slightly polar, at codon 324 of the ATF6 protein (p.Arg324Cys). This variant is present in population databases (rs761357250, gnomAD 0.004%). This missense change has been observed in individuals with achromatopsia (PMID: 26029869). It has also been observed to segregate with disease in related individuals. ClinVar contains an entry for this variant (Variation ID: 208172). Invitae Evidence Modeling of protein sequence and biophysical properties (such as structural, functional, and spatial information, amino acid conservation, physicochemical variation, residue mobility, and thermodynamic stability) indicates that this missense variant is expected to disrupt ATF6 protein function with a positive predictive value of 80%. Experimental studies have shown that this missense change affects ATF6 function (PMID: 26029869, 28028229). For these reasons, this variant has been classified as Pathogenic.

Blueprint Genetics
Classification: Pathogenic for ATF6-related disorders. Last evaluated: 2024-02-14. Review status: criteria provided, single submitter. Criteria: ACMG Guidelines, 2015. Collection method: clinical testing. Allele origin: germline. Affected: yes. Observed: 5 variant alleles.

PreventionGenetics, part of Exact Sciences
Classification: Pathogenic for ATF6-related condition. Last evaluated: 2023-06-20. Review status: criteria provided, single submitter. Criteria: ACMG Guidelines, 2015. Collection method: clinical testing. Allele origin: germline.
Comment: The ATF6 c.970C>T variant is predicted to result in the amino acid substitution p.Arg324Cys. This variant has been reported in the homozygous and compound heterozygous state in multiple individuals with achromatopsia, with in vitro experimental studies suggesting this variant affects protein function (Kohl et al. 2015. PubMed ID: 26029869; Chiang et al. 2016. PubMed ID: 28028229; Lee et al. 2020. PubMed ID: 32271167; Kroeger et al. 2021. PubMed ID: 34561305). This variant is reported in 0.0040% of alleles in individuals of African descent in gnomAD. This variant is interpreted as pathogenic.

Molecular Genetics Laboratory, Institute for Ophthalmic Research
Classification: Pathogenic for ACHROMATOPSIA 7. Last evaluated: 2015-06-17. Review status: criteria provided, single submitter. Criteria: Kohl et al. (Nat Genet. 2015). Collection method: research, in vitro. Allele origin: germline. Inheritance: Autosomal recessive inheritance. Affected: yes. Observed: 6 variant alleles, 6 homozygotes. Clinical features observed: Achromatopsia.

OMIM
Classification: Pathogenic for ACHROMATOPSIA 7. Last evaluated: 2015-07-01. Review status: no assertion criteria provided. Collection method: literature only. Allele origin: germline. Not counted in ClinVar's aggregate classification.

GeneReviews
No classification provided. Condition: Achromatopsia 7. Review status: no classification provided. Collection method: literature only. Allele origin: germline. Not counted in ClinVar's aggregate classification.

Lin Lab, Stanford University
Classification: Pathogenic for Bilateral sensorineural hearing impairment. Review status: no assertion criteria provided. Collection method: clinical testing. Allele origin: germline. Affected: yes. Observed: 3 variant alleles. Not counted in ClinVar's aggregate classification.

Literature cited by the submitters: PubMed 26029869 (cited by Labcorp Genetics (formerly Invitae), Labcorp and OMIM); PubMed 28028229 (cited by Labcorp Genetics (formerly Invitae), Labcorp).

NM_007348.4(ATF6):c.970C>T (p.Arg324Cys)

Gene: ATF6 (activating transcription factor 6; plus strand). Cytogenetic location: 1q23.3.
Variant type: single nucleotide variant.
Coding change: c.970C>T on transcript NM_007348.4 (MANE Select); coding-DNA position 970, C replaced by T.
Protein change: p.Arg324Cys; replaces arginine 324 with cysteine.
Molecular consequence: missense variant.
Genome position (GRCh38, 1-based): chr1:161,819,693, C>T. VCF-style: chr1-161819693-C-T. GRCh37 (hg19) VCF-style: chr1-161789483-C-T.
Other names: short protein forms R324C.
Identifiers: ClinVar variation 208172 (VCV000208172.13), dbSNP rs761357250, ClinGen allele CA346915.
Genomic context (GRCh38, chr1:161,819,693, plus strand): 5'-ATTGCTGTGCTAAGGAGACAGCAACGTATGATAAAAAATCGAGAATCCGCTTGTCAGTCT[C>T]GCAAGAAGAAGAAAGAATATATGCTAGGGTTAGAGGCGAGATTAAAGGCTGCCCTCTCAG-3'
Protein context (NP_031374.2, residues 314-334): IKNRESACQS[Arg324Cys]KKKKEYMLGL